The following is an entry in ClinVar:

NM_004958.4(MTOR):c.7570C>T (p.Gln2524Ter)

Gene: MTOR (mechanistic target of rapamycin kinase; minus strand). Cytogenetic location: 1p36.22.
Variant type: single nucleotide variant.
Coding change: c.7570C>T on transcript NM_004958.4 (MANE Select); coding-DNA position 7570, C replaced by T.
Protein change: p.Gln2524Ter; replaces glutamine 2524 with a stop codon.
Molecular consequence: nonsense.
Genome position (GRCh38, 1-based): chr1:11,108,245, G>A on the plus strand (C>T on the coding strand, the complement: MTOR is on the minus strand). VCF-style: chr1-11108245-G-A. GRCh37 (hg19) VCF-style: chr1-11168302-G-A.
Other names: c.7570C>T, p.Gln2524Ter (NM_001386500.1); c.6322C>T, p.Gln2108Ter (NM_001386501.1); short protein forms Q2108*, Q2524*.
Identifiers: ClinVar variation 2446047 (VCV002446047.4), dbSNP rs2521991279, ClinGen allele CA338378162.

ClinVar aggregate classification (germline): Uncertain significance. Review status: criteria provided, single submitter (1 of 4 stars). 2 submissions from 2 submitters: Uncertain significance (1). 1 of the submissions does not count toward it. Last evaluated 2023-04-09.

Conditions:
Autosomal dominant epilepsy.

Submissions (2):

Labcorp Genetics (formerly Invitae), Labcorp
Classification: Uncertain significance. Last evaluated: 2023-04-09. Review status: criteria provided, single submitter. Criteria: Invitae Variant Classification Sherloc (09022015). Collection method: clinical testing. Allele origin: germline.
Comment: This variant has not been reported in the literature in individuals affected with MTOR-related conditions. This variant is not present in population databases (gnomAD no frequency). This sequence change creates a premature translational stop signal (p.Gln2524*) in the MTOR gene. It is expected to result in an absent or disrupted protein product. However, the current clinical and genetic evidence is not sufficient to establish whether loss-of-function variants in MTOR cause disease. Algorithms developed to predict the effect of sequence changes on RNA splicing suggest that this variant may create or strengthen a splice site. In summary, the available evidence is currently insufficient to determine the role of this variant in disease. Therefore, it has been classified as a Variant of Uncertain Significance.

Rare Disease Center, Seoul National University Hospital
Classification: Pathogenic. Last evaluated: 2023-03-23. Review status: no assertion criteria provided. Collection method: research. Allele origin: unknown. Affected: yes. Not counted in ClinVar's aggregate classification.